The following is an entry in ClinVar:

NM_177438.3(DICER1):c.1983T>G (p.Gly661=)

Gene: DICER1 (dicer 1, ribonuclease III; minus strand). Cytogenetic location: 14q32.13.
Variant type: single nucleotide variant.
Coding change: c.1983T>G on transcript NM_177438.3 (MANE Select); coding-DNA position 1983, T replaced by G.
Protein change: p.Gly661=; no amino-acid change (glycine 661 retained).
Molecular consequence: synonymous variant.
Genome position (GRCh38, 1-based): chr14:95,113,149, A>C on the plus strand (T>G on the coding strand, the complement: DICER1 is on the minus strand). VCF-style: chr14-95113149-A-C. GRCh37 (hg19) VCF-style: chr14-95579486-A-C.
Other names: c.1983T>G, p.Gly661= (NM_001195573.1, NM_001271282.3, NM_001291628.2 and 1 more transcripts).
Identifiers: ClinVar variation 477080 (VCV000477080.18), dbSNP rs1359370774, ClinGen allele CA487630077.

ClinVar aggregate classification (germline): Benign/Likely benign. Review status: criteria provided, multiple submitters, no conflicts (2 of 4 stars). 3 submissions from 3 submitters: Benign (1); Likely benign (2). Last evaluated 2026-04-16.

Conditions:
DICER1-related tumor predisposition. Also called: DICER1-related pleuropulmonary blastoma cancer predisposition syndrome; DICER1 syndrome. Identifiers: Orphanet 284343, MedGen C3839822, MONDO:0100216.
Hereditary cancer-predisposing syndrome. Also called: Hereditary neoplastic syndrome; Neoplastic Syndromes, Hereditary; Hereditary Cancer Syndrome; Tumor predisposition. Identifiers: Orphanet 140162, MedGen C0027672, MeSH D009386, MONDO:0015356.

Allele frequency attached by ClinVar (database versions not stated): gnomAD 0.00001; TOPMed 0.00001; gnomAD exomes 0.00002 and below 0.00001.
gnomAD v4.1: 26 of 1,613,072 alleles (0.0016%); highest among the groups gnomAD compares: Non-Finnish European, 0.0021%; no homozygotes.

Submissions (3):

Myriad Genetics, Inc.
Classification: Benign for DICER1-related tumor predisposition. Last evaluated: 2026-04-16. Review status: criteria provided, single submitter. Criteria: Myriad Autosomal Dominant, Autosomal Recessive and X-Linked Classification Criteria (2023). Collection method: clinical testing. Allele origin: unknown.
Comment: This variant is considered benign. This variant is a silent/synonymous amino acid change and it is not expected to impact splicing.

Labcorp Genetics (formerly Invitae), Labcorp
Classification: Likely benign for DICER1-related tumor predisposition. Last evaluated: 2026-01-04. Review status: criteria provided, single submitter. Criteria: Invitae Variant Classification Sherloc (09022015). Collection method: clinical testing. Allele origin: germline.

Ambry Genetics
Classification: Likely benign for Hereditary cancer-predisposing syndrome. Last evaluated: 2017-08-05. Review status: criteria provided, single submitter. Criteria: Ambry Variant Classification Scheme 2023. Collection method: clinical testing. Allele origin: germline.